The following is an entry in ClinVar:

ClinVar aggregate classification (germline): Likely benign. Review status: criteria provided, multiple submitters, no conflicts (2 of 4 stars). 3 submissions from 3 submitters: Likely benign (3). Last evaluated 2025-07-01.

Allele frequency attached by ClinVar (database versions not stated): gnomAD exomes 0.00003 and 0.00007; ExAC 0.00004; gnomAD 0.00004 and 0.00005; TOPMed 0.00007; ESP Exome Variant Server 0.00008.
gnomAD v4.1: 112 of 1,612,746 alleles (0.0069%); highest among the groups gnomAD compares: Non-Finnish European, 0.0091%; no homozygotes.

Submissions (3):

CeGaT Center for Human Genetics Tuebingen
Classification: Likely benign. Last evaluated: 2025-07-01. Review status: criteria provided, single submitter. Criteria: CeGaT Center For Human Genetics Tuebingen Variant Classification Criteria Version 2. Collection method: clinical testing. Allele origin: germline. Affected: yes. Observed: 1 variant allele.
Comment: IMPG1: BP4, BP7

Blueprint Genetics
Classification: Likely benign. Last evaluated: 2024-10-30. Review status: criteria provided, single submitter. Criteria: ACMG Guidelines, 2015. Collection method: clinical testing. Allele origin: germline.

Labcorp Genetics (formerly Invitae), Labcorp
Classification: Likely benign. Last evaluated: 2024-03-09. Review status: criteria provided, single submitter. Criteria: Invitae Variant Classification Sherloc (09022015). Collection method: clinical testing. Allele origin: germline.

NM_001563.4(IMPG1):c.1191A>G (p.Thr397=)

Gene: IMPG1 (interphotoreceptor matrix proteoglycan 1; minus strand). Cytogenetic location: 6q14.1.
Variant type: single nucleotide variant.
Coding change: c.1191A>G on transcript NM_001563.4 (MANE Select); coding-DNA position 1191, A replaced by G.
Protein change: p.Thr397=; no amino-acid change (threonine 397 retained).
Molecular consequence: synonymous variant.
Genome position (GRCh38, 1-based): chr6:76,003,895, T>C on the plus strand (A>G on the coding strand, the complement: IMPG1 is on the minus strand). VCF-style: chr6-76003895-T-C. GRCh37 (hg19) VCF-style: chr6-76713612-T-C.
Other names: c.957A>G, p.Thr319= (NM_001282368.2).
Identifiers: ClinVar variation 1140923 (VCV001140923.18), dbSNP rs149254300, ClinGen allele CA3898206.